The following is an entry in ClinVar:

NM_000301.5(PLG):c.1473C>T (p.Gly491=)

Gene: PLG (plasminogen; plus strand). Cytogenetic location: 6q26.
Variant type: single nucleotide variant.
Coding change: c.1473C>T on transcript NM_000301.5 (MANE Select); coding-DNA position 1473, C replaced by T.
Protein change: p.Gly491=; no amino-acid change (glycine 491 retained).
Molecular consequence: synonymous variant.
Genome position (GRCh38, 1-based): chr6:160,731,779, C>T. VCF-style: chr6-160731779-C-T. GRCh37 (hg19) VCF-style: chr6-161152811-C-T.
Identifiers: ClinVar variation 2838302 (VCV002838302.3), dbSNP rs2484378033, ClinGen allele CA453028355.

ClinVar aggregate classification (germline): Uncertain significance (1 of 4 stars; one submission).

Submission:

Labcorp Genetics (formerly Invitae), Labcorp
Classification: Uncertain significance. Last evaluated: 2023-02-16. Review status: criteria provided, single submitter. Criteria: Invitae Variant Classification Sherloc (09022015). Collection method: clinical testing. Allele origin: germline.
Comment: This sequence change affects codon 491 of the PLG mRNA. It is a 'silent' change, meaning that it does not change the encoded amino acid sequence of the PLG protein. This variant is not present in population databases (gnomAD no frequency). This variant has not been reported in the literature in individuals affected with PLG-related conditions. Algorithms developed to predict the effect of sequence changes on RNA splicing suggest that this variant may disrupt the consensus splice site. In summary, the available evidence is currently insufficient to determine the role of this variant in disease. Therefore, it has been classified as a Variant of Uncertain Significance.